The following is an entry in ClinVar:

ClinVar aggregate classification (germline): Uncertain significance (1 of 4 stars; one submission).

gnomAD v4.1: 1 of 1,614,060 alleles (0.000062%); highest among the groups gnomAD compares: African/African-American, 0.0013%; no homozygotes.

Submission:

GeneDx
Classification: Uncertain significance. Last evaluated: 2024-12-26. Review status: criteria provided, single submitter. Criteria: GeneDx Variant Classification Process June 2021. Collection method: clinical testing. Allele origin: germline. Affected: yes.
Comment: Not observed at significant frequency in large population cohorts (gnomAD); In silico analysis supports that this missense variant has a deleterious effect on protein structure/function; Has not been previously published as pathogenic or benign to our knowledge

NM_006267.5(RANBP2):c.2918C>T (p.Pro973Leu)

Gene: RANBP2 (RAN binding protein 2; plus strand). Cytogenetic location: 2q13.
Variant type: single nucleotide variant.
Coding change: c.2918C>T on transcript NM_006267.5 (MANE Select); coding-DNA position 2918, C replaced by T.
Protein change: p.Pro973Leu; replaces proline 973 with leucine.
Molecular consequence: missense variant.
Genome position (GRCh38, 1-based): chr2:108,763,457, C>T. VCF-style: chr2-108763457-C-T. GRCh37 (hg19) VCF-style: chr2-109379913-C-T.
Other names: c.2918C>T, p.Pro973Leu (NM_001415871.1, NM_001415873.1); c.2915C>T, p.Pro972Leu (NM_001415872.1); short protein forms P972L, P973L.
Identifiers: ClinVar variation 3907884 (VCV003907884.1).